The following is an entry in ClinVar:

ClinVar aggregate classification (germline): Benign/Likely benign. Review status: criteria provided, multiple submitters, no conflicts (2 of 4 stars). 4 submissions from 4 submitters: Benign (1); Likely benign (3). Last evaluated 2025-08-24.

Conditions:
Hereditary nonpolyposis colorectal neoplasms. Identifiers: MedGen C0009405, MeSH D003123.
Hereditary cancer-predisposing syndrome. Also called: Hereditary Cancer Syndrome; Neoplastic Syndromes, Hereditary; Tumor predisposition; Hereditary neoplastic syndrome. Identifiers: Orphanet 140162, MedGen C0027672, MeSH D009386, MONDO:0015356.
Lynch syndrome 4 (LYNCH4). Also called: Colorectal cancer, hereditary nonpolyposis, type 4; Hereditary non-polyposis colorectal cancer, type 4. Identifiers: Orphanet 144, MedGen C1838333, MONDO:0013699, OMIM 614337. Disease mechanism: loss of function.

Allele frequency attached by ClinVar (database versions not stated): gnomAD exomes below 0.00001; ExAC 0.00001.
gnomAD v4.1: 3 of 1,614,178 alleles (0.00019%); highest among the groups gnomAD compares: South Asian, 0.0033%; no homozygotes.

Submissions (4):

Labcorp Genetics (formerly Invitae), Labcorp
Classification: Likely benign for Hereditary nonpolyposis colorectal neoplasms. Last evaluated: 2025-08-24. Review status: criteria provided, single submitter. Criteria: Invitae Variant Classification Sherloc (09022015). Collection method: clinical testing. Allele origin: germline.

Myriad Genetics, Inc.
Classification: Benign for Lynch syndrome 4. Last evaluated: 2025-01-30. Review status: criteria provided, single submitter. Criteria: Myriad Autosomal Dominant, Autosomal Recessive and X-Linked Classification Criteria (2023). Collection method: clinical testing. Allele origin: unknown.
Comment: This variant is considered benign. This variant is a silent/synonymous amino acid change and it is not expected to impact splicing.

Color Diagnostics, LLC DBA Color Health
Classification: Likely benign for Hereditary cancer-predisposing syndrome. Last evaluated: 2020-04-06. Review status: criteria provided, single submitter. Criteria: ACMG Guidelines, 2015. Collection method: clinical testing. Allele origin: germline.

Ambry Genetics
Classification: Likely benign for Hereditary cancer-predisposing syndrome. Last evaluated: 2016-01-10. Review status: criteria provided, single submitter. Criteria: Ambry Variant Classification Scheme 2023. Collection method: clinical testing. Allele origin: germline.

NM_000535.7(PMS2):c.1383C>T (p.Ala461=)

Gene: PMS2 (PMS1 homolog 2, mismatch repair system component; minus strand). Cytogenetic location: 7p22.1.
Variant type: single nucleotide variant.
Coding change: c.1383C>T on transcript NM_000535.7 (MANE Select); coding-DNA position 1383, C replaced by T.
Protein change: p.Ala461=; no amino-acid change (alanine 461 retained).
Molecular consequence: synonymous variant. On other transcripts: non-coding transcript variant (1).
Genome position (GRCh38, 1-based): chr7:5,987,382, G>A on the plus strand (C>T on the coding strand, the complement: PMS2 is on the minus strand). VCF-style: chr7-5987382-G-A. GRCh37 (hg19) VCF-style: chr7-6027013-G-A.
Other names: c.978C>T, p.Ala326= (NM_001322003.2, NM_001322004.2, NM_001322005.2 and 1 more transcripts); c.1227C>T, p.Ala409= (NM_001322006.2); c.1065C>T, p.Ala355= (NM_001322007.2, NM_001322008.2); c.822C>T, p.Ala274= (NM_001322010.2); c.450C>T, p.Ala150= (NM_001322011.2, NM_001322012.2); c.810C>T, p.Ala270= (NM_001322013.2); c.1383C>T, p.Ala461= (NM_001322014.2); c.1074C>T, p.Ala358= (NM_001322015.2).
Identifiers: ClinVar variation 480310 (VCV000480310.9), dbSNP rs756335943, ClinGen allele CA043280.